The following is an entry in ClinVar:

ClinVar aggregate classification (germline): Pathogenic/Likely pathogenic. Review status: criteria provided, multiple submitters, no conflicts (2 of 4 stars). 13 submissions from 13 submitters: Pathogenic (4); Likely pathogenic (5). 4 of the submissions do not count toward it. Last evaluated 2025-03-25.

Conditions:
Breast-ovarian cancer, familial, susceptibility to, 1 (BROVCA1). Also called: BRCA1 Hereditary Breast and Ovarian Cancer; OVARIAN CANCER, SUSCEPTIBILITY TO. Identifiers: Orphanet 145, MedGen C2676676, MONDO:0011450, OMIM 604370. Disease mechanism: loss of function.
Hereditary cancer-predisposing syndrome. Also called: Hereditary Cancer Syndrome; Hereditary neoplastic syndrome; Neoplastic Syndromes, Hereditary; Tumor predisposition. Identifiers: Orphanet 140162, MedGen C0027672, MeSH D009386, MONDO:0015356.
Hereditary breast ovarian cancer syndrome. Also called: BRCA1- and BRCA2-Associated Hereditary Breast and Ovarian Cancer; Hereditary breast and ovarian cancer syndrome; Hereditary breast and ovarian cancer syndrome (HBOC); Breast and ovarian cancer; Hereditary breast and/or ovarian cancer syndrome; Hereditary breast and ovarian cancer. Identifiers: Orphanet 145, MedGen C0677776, MeSH D061325, MONDO:0003582. Disease mechanism: loss of function.

Allele frequency attached by ClinVar (database versions not stated): gnomAD exomes below 0.00001; ExAC 0.00001.

Submissions 1 to 7 of 14:

Ambry Genetics
Classification: Likely pathogenic for Hereditary cancer-predisposing syndrome. Last evaluated: 2025-03-25. Review status: criteria provided, single submitter. Criteria: Ambry Variant Classification Scheme 2023. Collection method: clinical testing. Allele origin: germline.
Comment: The c.4986+4A>T intronic variant results from an A to T substitution 4 nucleotides after coding exon 14 in the BRCA1 gene. This nucleotide position is highly conserved in available vertebrate species. In silico splice site analysis predicts that this alteration will weaken the native splice donor site. RNA studies for this alteration and a close match alteration, c.4986+4A>G, demonstrate retention of 65 nucleotides of the following intron leading to a frameshift and predicted premature termination codon (Ambry internal data; Wappenschmidt B et al. PLoS ONE, 2012 Dec;7:e50800). This same work and others show the same aberrant transcript results from other nucleotide substitutions at this splice site from the c.4986+1 through the c.4986+6 positions (Scholl T et al. Am. J. Med. Genet., 1999 Jul;85:113-6; Chen X et al. Hum. Mutat., 2006 May;27:427-35; Vreeswijk MP et al. Hum. Mutat., 2009 Jan;30:107-14; Wappenschmidt B et al. PLoS ONE, 2012 Dec;7:e50800; Colombo M et al. PLoS ONE, 2013 Feb;8:e57173). These alterations have also been observed in breast and ovarian cancer cohorts and some have been observed to segregate with disease in these families (Konecny M et al. Breast Cancer Res. Treat., 2011 Feb;126:119-30; Rebbeck TR et al, Hum Mutat, 2018 05;39:593-620; Le TN et al. Genes (Basel), 2022 Jan;13:; Ambry internal data). In addition, this variant, as well as the variants described as close matches, were non-functional in a high throughput genome editing haploid cell survival assay (Findlay GM et al. Nature, 2018 10;562:217-222). This variant is considered to be rare based on population cohorts in the Genome Aggregation Database (gnomAD). Based on the majority of available evidence to date, this variant is likely to be pathogenic.

Labcorp Genetics (formerly Invitae), Labcorp
Classification: Pathogenic for Hereditary breast ovarian cancer syndrome. Last evaluated: 2025-02-18. Review status: criteria provided, single submitter. Criteria: Invitae Variant Classification Sherloc (09022015). Collection method: clinical testing. Allele origin: germline.
Comment: This sequence change falls in intron 15 of the BRCA1 gene. It does not directly change the encoded amino acid sequence of the BRCA1 protein. It affects a nucleotide within the consensus splice site. This variant is not present in population databases (gnomAD no frequency). This variant has been observed in individual(s) with breast and/or ovarian cancer (PMID: 21203900). ClinVar contains an entry for this variant (Variation ID: 55342). Algorithms developed to predict the effect of variants on gene product structure and function are not available or were not evaluated for this variant. Experimental studies have shown that this variant affects BRCA1 function (PMID: 30209399). Variants that disrupt the consensus splice site are a relatively common cause of aberrant splicing (PMID: 17576681, 9536098). Algorithms developed to predict the effect of sequence changes on RNA splicing suggest that this variant may disrupt the consensus splice site. This variant disrupts the c.4986+4A nucleotide in the BRCA1 gene. Other variant(s) that disrupt this nucleotide have been determined to be pathogenic (PMID: 23239986, 25281711, 29446198, 30209399). This suggests that this nucleotide is clinically significant, and that variants that disrupt this position are likely to be disease-causing. For these reasons, this variant has been classified as Pathogenic.

Quest Diagnostics Nichols Institute San Juan Capistrano
Classification: Likely pathogenic. Last evaluated: 2024-08-01. Review status: criteria provided, single submitter. Criteria: Quest Diagnostics criteria. Collection method: clinical testing. Allele origin: unknown.
Comment: The BRCA1 c.4986+4A>T variant has been reported in the published literature in individuals and families with hereditary breast and or ovarian cancer syndrome (PMID: 16267036 (2005), 21203900 (2011)). A large-scale study using a haploid cell line showed that this variant apparently lost functional activity (PMID: 30209399 (2018)). In addition, this variant was observed to result in abnormal splicing (personal communication with Ambry Genetics related to ClinVar ID: 55342). Also, other variants at the same nucleotide position (c.4986+4A>G) and adjacent intronic variants show altered splicing resulting in a truncated protein (PMID: 10406662 (1999), 16619214 (2006), 23239986 (2012), 23451180 (2013)). This variant has not been reported in large, multi-ethnic general populations (Genome Aggregation Database). Analysis of this variant using software algorithms for the prediction of the effect of nucleotide changes on splicing yielded predictions that this variant may affect proper BRCA1 mRNA splicing. Based on the available information, this variant is classified as likely pathogenic.

Baylor Genetics
Classification: Pathogenic for Breast-ovarian cancer, familial, susceptibility to, 1. Last evaluated: 2023-07-01. Review status: criteria provided, single submitter. Criteria: ACMG Guidelines, 2015. Collection method: clinical testing. Allele origin: unknown.

GeneDx
Classification: Likely pathogenic. Last evaluated: 2022-01-10. Review status: criteria provided, single submitter. Criteria: GeneDx Variant Classification Process June 2021. Collection method: clinical testing. Allele origin: germline. Affected: yes.
Comment: Published functional studies demonstrate a damaging effect: classified as non-functional based on a saturation genome editing (SGE) assay measuring cell growth (Findlay 2018); Not observed at significant frequency in large population cohorts (gnomAD); In silico analysis supports a deleterious effect on splicing; Observed in individuals with hereditary breast/ovarian cancer (Judkins 2005, Konecny 2011, Rebbeck 2018); Also known as 5105+4A>T; This variant is associated with the following publications: (PMID: 29446198, 21203900, 23239986, 23348723, 16267036, 30209399, 31360904, 30787465)

Women's Health and Genetics/Laboratory Corporation of America, LabCorp
Classification: Pathogenic for Hereditary breast ovarian cancer syndrome. Last evaluated: 2021-08-30. Review status: criteria provided, single submitter. Criteria: LabCorp Variant Classification Summary - May 2015. Collection method: clinical testing. Allele origin: germline.
Comment: Variant summary: BRCA1 c.4986+4A>T alters a conserved nucleotide located close to a canonical splice site and therefore could affect mRNA splicing, leading to a significantly altered protein sequence. Several computational tools predict a significant impact on normal splicing: three predict the variant abolishes a 5' splicing donor site, while one predict the variant weakens a 5' donor site. An in vitro study that assessed the effect of the variant in a haploid human cell line whose survival is dependent on intact BRCA1 function, found that the variant resulted in loss of function (Findlay_2018). In addition, the variant is located in close proximity to other known pathogenic variants, such IVS16+3G>C, IVS16+4A>C, IVS16+6T>G, IVS16+6T>C that were proven to impair the splice donor site of intron 16 and showed incorporation of 65 nucleotide of the 5' end of intron 16 in all cases (Wappenschmidt_2012). The variant was absent in 249776 control chromosomes (gnomAD). c.4986+4A>T has been reported in the literature in individuals affected with Hereditary Breast and Ovarian Cancer (Konency_2011, Judkins_2005, Rebbeck_2018). These data indicate that the variant is likely to be associated with disease. Eight clinical diagnostic laboratories have submitted clinical-significance assessments for this variant to ClinVar after 2014 without evidence for independent evaluation. All laboratories classified the variant as pathogenic/likely pathogenic. Based on the evidence outlined above, the variant was classified as pathogenic.

Color Diagnostics, LLC DBA Color Health
Classification: Likely pathogenic for Hereditary cancer-predisposing syndrome. Last evaluated: 2020-01-03. Review status: criteria provided, single submitter. Criteria: ACMG Guidelines, 2015. Collection method: clinical testing. Allele origin: germline.
Comment: This variant causes an A>T nucleotide substitution at the +4 position of intron 15 of the BRCA1 gene. Splice site prediction tools predict that this variant may have a significant impact on RNA splicing. Another variant at this position results in the use of a cryptic donor at +65 nt and p.Met1663Valfs*14 as determined by RT-PCR of carrier RNA (PMID 23239986). This variant has been reported to be loss-of-function in a haploid cell proliferation assay (PMID: 30209399). This variant has been reported in two suspected hereditary breast/ovarian cancer families (PMID: 30209399). This variant has not been identified in the general population by the Genome Aggregation Database (gnomAD). Based on the available evidence, this variant is classified as Likely Pathogenic.

NM_007294.4(BRCA1):c.4986+4A>T

Gene: BRCA1 (BRCA1 DNA repair associated; minus strand). Cytogenetic location: 17q21.31.
Variant type: single nucleotide variant.
Coding change: c.4986+4A>T on transcript NM_007294.4 (MANE Select); 4 bases into the intron after coding-DNA position 4986, A replaced by T.
Molecular consequence: intron variant.
Genome position (GRCh38, 1-based): chr17:43,070,924, T>A on the plus strand (A>T on the coding strand, the complement: BRCA1 is on the minus strand). VCF-style: chr17-43070924-T-A. GRCh37 (hg19) VCF-style: chr17-41222941-T-A.
Other names: IVS16+4A>T; c.1533+4A>T (NM_001408458.1, NM_001408461.1, NM_001408464.1 and 7 more transcripts); c.4095+4A>T (NM_001407967.1); c.4605+4A>T (NM_001407959.1); c.4719+4A>T (NM_001407931.1, NM_001407932.1, NM_001407928.1 and 4 more transcripts); c.4842+4A>T (NM_001407747.1, NM_001407745.1, NM_001407737.1 and 21 more transcripts); c.4602+4A>T (NM_001407962.1, NM_001407960.1); c.1173+4A>T (NM_001408512.1); and 72 more.
Identifiers: ClinVar variation 55342 (VCV000055342.40), dbSNP rs80358087, ClinGen allele CA003123.